The following is an entry in ClinVar:

ClinVar aggregate classification (germline): Likely benign (0 of 4 stars; one submission).

Conditions:
PLXNA3-related disorder. Also called: PLXNA3-related condition.

Allele frequency attached by ClinVar (database versions not stated): TOPMed 0.00005; ESP Exome Variant Server 0.00009; gnomAD 0.00013; gnomAD exomes 0.00016; 1000 Genomes Project 30x 0.00062; 1000 Genomes Project 0.00079.
gnomAD v4.1: 185 of 1,179,705 alleles (0.016%); highest among the groups gnomAD compares: East Asian, 0.44%; no homozygotes.

Submission:

PreventionGenetics, part of Exact Sciences
Classification: Likely benign for PLXNA3-related condition. Last evaluated: 2023-07-11. Review status: no assertion criteria provided. Collection method: clinical testing. Allele origin: germline.
Comment: This variant is classified as likely benign based on ACMG/AMP sequence variant interpretation guidelines (Richards et al. 2015 PMID: 25741868, with internal and published modifications).

NM_017514.5(PLXNA3):c.459T>C (p.Gly153=)

Gene: PLXNA3 (plexin A3; plus strand). Cytogenetic location: Xq28.
Variant type: single nucleotide variant.
Coding change: c.459T>C on transcript NM_017514.5 (MANE Select); coding-DNA position 459, T replaced by C.
Protein change: p.Gly153=; no amino-acid change (glycine 153 retained).
Molecular consequence: synonymous variant.
Genome position (GRCh38, 1-based): chrX:154,460,642, T>C. VCF-style: chrX-154460642-T-C. GRCh37 (hg19) VCF-style: chrX-153688982-T-C.
Identifiers: ClinVar variation 3051286 (VCV003051286.2), dbSNP rs151240042, ClinGen allele CA10563696.